The following is an entry in ClinVar:

NM_000492.4(CFTR):c.3303_3304delinsAG (p.Met1101_Arg1102delinsIleGly)

Genes: CFTR (CF transmembrane conductance regulator; plus strand), CFTR-AS2 (CFTR antisense RNA 2; minus strand), LOC111674472 (DNase I hypersensitive sites in introns 16 and 17a of CFTR; plus strand). Cytogenetic location: 7q31.2.
Variant type: Indel.
Coding change: c.3303_3304delinsAG on transcript NM_000492.4 (MANE Select); coding-DNA positions 3303 to 3304, GA replaced by AG.
Protein change: p.Met1101_Arg1102delinsIleGly.
Molecular consequence: missense variant.
Genome position (GRCh38, 1-based): chr7:117,611,744-117,611,745, GA replaced by AG. VCF-style: chr7-117611744-GA-AG. GRCh37 (hg19) VCF-style: chr7-117251798-GA-AG.
Identifiers: ClinVar variation 2032842 (VCV002032842.4), dbSNP rs2485130541, ClinGen allele CA2580076386.

ClinVar aggregate classification (germline): Pathogenic (1 of 4 stars; one submission).

Conditions:
Cystic fibrosis (CF). Also called: MUCOVISCIDOSIS. Identifiers: Orphanet 586, MedGen C0010674, MONDO:0009061, OMIM 219700. Disease mechanism: loss of function.

Submission:

Labcorp Genetics (formerly Invitae), Labcorp
Classification: Pathogenic for Cystic fibrosis. Last evaluated: 2022-09-27. Review status: criteria provided, single submitter. Criteria: Invitae Variant Classification Sherloc (09022015). Collection method: clinical testing. Allele origin: germline.
Comment: This variant, c.3303_3304delinsAG, is a complex sequence change that results in the deletion of 2 and insertion of 2 amino acid(s) in the CFTR protein (p.Met1101_Arg1102delinsIleGly). Information on the frequency of this variant in the gnomAD database is not available, as this variant may be reported differently in the database. This variant has not been reported in the literature in individuals affected with CFTR-related conditions. This variant disrupts a region of the CFTR protein in which other variant(s) (p.Met1101Lys) have been determined to be pathogenic (PMID: 7680525, 9383031, 9439669, 10439967). This suggests that this is a clinically significant region of the protein, and that variants that disrupt it are likely to be disease-causing. For these reasons, this variant has been classified as Pathogenic.

Literature cited by the submitters: PubMed 7680525; PubMed 9383031; PubMed 9439669; PubMed 10439967.